The following is an entry in ClinVar:

NM_001042492.3(NF1):c.7312T>A (p.Tyr2438Asn)

Gene: NF1 (neurofibromin 1; plus strand). Cytogenetic location: 17q11.2.
Variant type: single nucleotide variant.
Coding change: c.7312T>A on transcript NM_001042492.3 (MANE Select); coding-DNA position 7312, T replaced by A.
Protein change: p.Tyr2438Asn; replaces tyrosine 2438 with asparagine.
Molecular consequence: missense variant.
Genome position (GRCh38, 1-based): chr17:31,349,242, T>A. VCF-style: chr17-31349242-T-A. GRCh37 (hg19) VCF-style: chr17-29676260-T-A.
Other names: c.7249T>A, p.Tyr2417Asn (NM_000267.4); short protein forms Y2438N, Y2417N.
Identifiers: ClinVar variation 4005884 (VCV004005884.1).

ClinVar aggregate classification (germline): Uncertain significance (1 of 4 stars; one submission).

Conditions:
Cardiovascular phenotype. Identifiers: MedGen CN230736.
Hereditary cancer-predisposing syndrome. Also called: Tumor predisposition; Hereditary neoplastic syndrome; Neoplastic Syndromes, Hereditary; Hereditary Cancer Syndrome. Identifiers: Orphanet 140162, MedGen C0027672, MeSH D009386, MONDO:0015356.

Submission:

Ambry Genetics
Classification: Uncertain significance for Cardiovascular phenotype; Hereditary cancer-predisposing syndrome. Last evaluated: 2025-04-28. Review status: criteria provided, single submitter. Criteria: Ambry Variant Classification Scheme 2023. Collection method: clinical testing. Allele origin: germline.
Comment: The p.Y2417N variant (also known as c.7249T>A), located in coding exon 48 of the NF1 gene, results from a T to A substitution at nucleotide position 7249. The tyrosine at codon 2417 is replaced by asparagine, an amino acid with dissimilar properties. This amino acid position is conserved. In addition, the in silico prediction for this alteration is inconclusive. Based on the available evidence, the clinical significance of this variant remains unclear.